The following is an entry in ClinVar:

ClinVar aggregate classification (germline): Uncertain significance (0 of 4 stars; one submission).

Conditions:
P4HB-related disorder. Also called: P4HB-related condition.

Submission:

PreventionGenetics, part of Exact Sciences
Classification: Uncertain significance for P4HB-related condition. Last evaluated: 2024-03-22. Review status: no assertion criteria provided. Collection method: clinical testing. Allele origin: germline.
Comment: The P4HB c.1150G>T variant is predicted to result in premature protein termination (p.Glu384*). To our knowledge, this variant has not been reported in the literature or in a large population database, indicating this variant is rare. At this time, the clinical significance of this variant is uncertain due to the absence of conclusive functional and genetic evidence.

NM_000918.4(P4HB):c.1150G>T (p.Glu384Ter)

Gene: P4HB (prolyl 4-hydroxylase subunit beta; minus strand). Cytogenetic location: 17q25.3.
Variant type: single nucleotide variant.
Coding change: c.1150G>T on transcript NM_000918.4 (MANE Select); coding-DNA position 1150, G replaced by T.
Protein change: p.Glu384Ter; replaces glutamic acid 384 with a stop codon.
Molecular consequence: nonsense.
Genome position (GRCh38, 1-based): chr17:81,845,898, C>A on the plus strand (G>T on the coding strand, the complement: P4HB is on the minus strand). VCF-style: chr17-81845898-C-A. GRCh37 (hg19) VCF-style: chr17-79803774-C-A.
Other names: short protein forms E384*.
Identifiers: ClinVar variation 3350042 (VCV003350042.1).
Genomic context (GRCh38, chr17:81,845,898, plus strand): 5'-ACGGACCTGGGGAGCTGAAAGGGCAACACTTACAGAACTCCACAAAGACGTTTTTTTTCT[C>A]ATCAAAAGCCACGTCTTCAAAGTTCTTCCCAACAAGCACCTTGACAGGCTGCTTGTCCCA-3'